The following is an entry in ClinVar:

ClinVar aggregate classification (germline): Pathogenic. Review status: reviewed by expert panel (3 of 4 stars). 10 submissions from 10 submitters: Pathogenic (1). 9 of the submissions do not count toward it. Last evaluated 2016-04-22.

Conditions:
Hereditary cancer-predisposing syndrome. Also called: Tumor predisposition; Neoplastic Syndromes, Hereditary; Hereditary Cancer Syndrome; Hereditary neoplastic syndrome. Identifiers: Orphanet 140162, MedGen C0027672, MeSH D009386, MONDO:0015356.
Hereditary breast ovarian cancer syndrome. Also called: Hereditary breast and ovarian cancer syndrome (HBOC); Hereditary breast and ovarian cancer syndrome; Hereditary breast and ovarian cancer; Hereditary breast and/or ovarian cancer syndrome; Breast and ovarian cancer; BRCA1- and BRCA2-Associated Hereditary Breast and Ovarian Cancer. Identifiers: Orphanet 145, MedGen C0677776, MeSH D061325, MONDO:0003582. Disease mechanism: loss of function.
Breast-ovarian cancer, familial, susceptibility to, 2 (BROVCA2). Also called: BRCA2 Hereditary Breast and Ovarian Cancer. Identifiers: Orphanet 145, MedGen C2675520, MONDO:0012933, OMIM 612555. Disease mechanism: loss of function.
Breast-ovarian cancer, familial, susceptibility to, 1 (BROVCA1). Also called: OVARIAN CANCER, SUSCEPTIBILITY TO; BRCA1 Hereditary Breast and Ovarian Cancer. Identifiers: Orphanet 145, MedGen C2676676, MONDO:0011450, OMIM 604370. Disease mechanism: loss of function.
Familial cancer of breast. Also called: Hereditary breast cancer; hereditary breast carcinoma; BREAST CANCER, FAMILIAL. Identifiers: Orphanet 227535, MedGen C0346153, MONDO:0016419, OMIM 114480. Disease mechanism: loss of function.

Allele frequency attached by ClinVar (database versions not stated): gnomAD exomes below 0.00001.
gnomAD v4.1: 2 of 1,609,704 alleles (0.00012%); highest among the groups gnomAD compares: Non-Finnish European, 0.00017%; no homozygotes.

Submissions (10):

Evidence-based Network for the Interpretation of Germline Mutant Alleles (ENIGMA)
Classification: Pathogenic for Breast-ovarian cancer, familial, susceptibility to, 2. Last evaluated: 2016-04-22. Review status: reviewed by expert panel. Criteria: ENIGMA BRCA1/2 Classification Criteria (2015). Collection method: curation. Allele origin: germline.
Comment: Variant allele predicted to encode a truncated non-functional protein.

Labcorp Genetics (formerly Invitae), Labcorp
Classification: Pathogenic for Hereditary breast ovarian cancer syndrome. Last evaluated: 2025-11-26. Review status: criteria provided, single submitter. Criteria: Invitae Variant Classification Sherloc (09022015). Collection method: clinical testing. Allele origin: germline. Not counted in ClinVar's aggregate classification.
Comment: This sequence change creates a premature translational stop signal (p.Ser2978*) in the BRCA2 gene. It is expected to result in an absent or disrupted protein product. Loss-of-function variants in BRCA2 are known to be pathogenic (PMID: 20104584). This variant is not present in population databases (gnomAD no frequency). This premature translational stop signal has been observed in individual(s) with breast cancer (PMID: 12601471). This variant is also known as 9161C>A. ClinVar contains an entry for this variant (Variation ID: 52704). For these reasons, this variant has been classified as Pathogenic.

Baylor Genetics
Classification: Pathogenic for Familial cancer of breast. Last evaluated: 2022-02-02. Review status: criteria provided, single submitter. Criteria: ACMG Guidelines, 2015. Collection method: clinical testing. Allele origin: unknown. Not counted in ClinVar's aggregate classification.

GeneDx
Classification: Pathogenic. Last evaluated: 2020-06-19. Review status: criteria provided, single submitter. Criteria: GeneDx Variant Classification Process June 2021. Collection method: clinical testing. Allele origin: germline. Affected: yes. Not counted in ClinVar's aggregate classification.
Comment: Nonsense variant predicted to result in protein truncation or nonsense mediated decay in a gene for which loss-of-function is a known mechanism of disease; Truncating variants in this gene are considered pathogenic by a well-established clinical consortium and/or database; Observed in individuals with a personal or family history including breast cancer (Scott 2003, Deb 2012); Not observed in large population cohorts (Lek 2016); Also known as BRCA2 c.9161C>A; This variant is associated with the following publications: (PMID: 23146383, 16162645, 31209999, 25525159, 29446198, 12601471)

Department of Molecular Diagnostics, Institute of Oncology Ljubljana
Classification: Pathogenic for Breast-ovarian cancer, familial, susceptibility to, 1. Last evaluated: 2020-04-02. Review status: criteria provided, single submitter. Criteria: ACMG Guidelines, 2015. Collection method: clinical testing. Allele origin: germline. Affected: yes. Not counted in ClinVar's aggregate classification.

Color Diagnostics, LLC DBA Color Health
Classification: Pathogenic for Hereditary cancer-predisposing syndrome. Last evaluated: 2020-02-26. Review status: criteria provided, single submitter. Criteria: ACMG Guidelines, 2015. Collection method: clinical testing. Allele origin: germline. Not counted in ClinVar's aggregate classification.
Comment: This variant changes 1 nucleotide in exon 22 of the BRCA2 gene, creating a premature translation stop signal. This variant is expected to result in an absent or non-functional protein product. To our knowledge, functional studies have not been reported for this variant. This variant is reported in at least two individuals affected with breast cancer (PMID: 12601471, 16162645, 23146383, 31209999). This variant has not been identified in the general population by the Genome Aggregation Database (gnomAD). Loss of BRCA2 function is a known mechanism of disease. Based on the available evidence, this variant is classified as Pathogenic.

Laboratory for Molecular Medicine, Mass General Brigham Personalized Medicine
Classification: Pathogenic for Hereditary breast ovarian cancer syndrome. Last evaluated: 2019-10-14. Review status: criteria provided, single submitter. Criteria: ACMG Guidelines, 2015. Collection method: clinical testing. Allele origin: germline. Not counted in ClinVar's aggregate classification.
Comment: The p.Ser2978X variant (resulting from c.8933C>A) in BRCA2 has been reported in at least 3 individuals with breast cancer (Scott 2003, BIC database). It was absent from large population studies. This variant leads to a premature termination codon at position 2978, which is predicted to lead to a truncated or absent protein. Loss of function of the BRCA2 gene is an established disease mechanism in autosomal dominant hereditary breast and ovarian cancer syndrome (HBOC). Another variant at this position that leads to the same amino acid change (c.8933C>G) has also been reported in one proband with breast cancer (Momozawa 2018). This variant was classified as Pathogenic on Apr 22, 2016 by the ClinGen-approved ENIGMA expert panel (Variation ID: 52704). In summary, this variant meets criteria to be classified as pathogenic for autosomal dominant HBOC. ACMG/AMP Criteria applied: PVS1, PM2, PS4_Supporting, PS1.

Mendelics
Classification: Pathogenic for Breast-ovarian cancer, familial, susceptibility to, 2. Last evaluated: 2019-05-28. Review status: criteria provided, single submitter. Criteria: Mendelics Assertion Criteria 2017. Collection method: clinical testing. Allele origin: unknown. Not counted in ClinVar's aggregate classification.

Consortium of Investigators of Modifiers of BRCA1/2 (CIMBA), c/o University of Cambridge
Classification: Pathogenic for Breast-ovarian cancer, familial, susceptibility to, 2. Last evaluated: 2015-10-02. Review status: criteria provided, single submitter. Criteria: CIMBA Mutation Classification guidelines May 2016. Collection method: clinical testing. Allele origin: germline. Not counted in ClinVar's aggregate classification.

Breast Cancer Information Core (BIC) (BRCA2)
Classification: Pathogenic for Breast-ovarian cancer, familial 2. Review status: no assertion criteria provided. Collection method: clinical testing. Allele origin: germline. Affected: yes. Observed: 1 variant allele. Not counted in ClinVar's aggregate classification.

Literature cited by the submitters: PubMed 20104584 (cited by Labcorp Genetics (formerly Invitae), Labcorp); PubMed 12601471 (cited by Labcorp Genetics (formerly Invitae), Labcorp and Laboratory for Molecular Medicine, Mass General Brigham Personalized Medicine); PubMed 30287823 (cited by Laboratory for Molecular Medicine, Mass General Brigham Personalized Medicine).

NM_000059.4(BRCA2):c.8933C>A (p.Ser2978Ter)

Gene: BRCA2 (BRCA2 DNA repair associated; plus strand). Cytogenetic location: 13q13.1.
Variant type: single nucleotide variant.
Coding change: c.8933C>A on transcript NM_000059.4 (MANE Select); coding-DNA position 8933, C replaced by A.
Protein change: p.Ser2978Ter; replaces serine 2978 with a stop codon.
Molecular consequence: nonsense.
Genome position (GRCh38, 1-based): chr13:32,379,495, C>A. VCF-style: chr13-32379495-C-A. GRCh37 (hg19) VCF-style: chr13-32953632-C-A.
Other names: 9161C>A; short protein forms S2978*.
Identifiers: ClinVar variation 52704 (VCV000052704.23), dbSNP rs80359144, ClinGen allele CA025877.